The following is an entry in ClinVar:

NM_000780.4(CYP7A1):c.480C>A (p.Asn160Lys)

Gene: CYP7A1 (cytochrome P450 family 7 subfamily A member 1; minus strand). Cytogenetic location: 8q12.1.
Variant type: single nucleotide variant.
Coding change: c.480C>A on transcript NM_000780.4 (MANE Select); coding-DNA position 480, C replaced by A.
Protein change: p.Asn160Lys; replaces asparagine 160 with lysine.
Molecular consequence: missense variant.
Genome position (GRCh38, 1-based): chr8:58,497,032, G>T on the plus strand (C>A on the coding strand, the complement: CYP7A1 is on the minus strand). VCF-style: chr8-58497032-G-T. GRCh37 (hg19) VCF-style: chr8-59409591-G-T.
Other names: short protein forms N160K.
Identifiers: ClinVar variation 3696748 (VCV003696748.2).

ClinVar aggregate classification (germline): Uncertain significance (1 of 4 stars; one submission).

gnomAD v4.1: 1 of 1,610,086 alleles (0.000062%); highest among the groups gnomAD compares: Non-Finnish European, 0.000085%; no homozygotes.

Submission:

Labcorp Genetics (formerly Invitae), Labcorp
Classification: Uncertain significance. Last evaluated: 2024-12-23. Review status: criteria provided, single submitter. Criteria: Invitae Variant Classification Sherloc (09022015). Collection method: clinical testing. Allele origin: germline.
Comment: This sequence change replaces asparagine, which is neutral and polar, with lysine, which is basic and polar, at codon 160 of the CYP7A1 protein (p.Asn160Lys). The frequency data for this variant in the population databases is considered unreliable, as metrics indicate poor data quality at this position in the gnomAD database. This variant has not been reported in the literature in individuals affected with CYP7A1-related conditions. An algorithm developed to predict the effect of missense changes on protein structure and function outputs the following: PolyPhen-2: "Benign". The lysine amino acid residue is found in multiple mammalian species, which suggests that this missense change does not adversely affect protein function. In summary, the available evidence is currently insufficient to determine the role of this variant in disease. Therefore, it has been classified as a Variant of Uncertain Significance.